The following is an entry in ClinVar:

ClinVar aggregate classification (germline): Uncertain significance (1 of 4 stars; one submission).

Conditions:
Tumor predisposition syndrome 3 (TPDS3). Also called: Glioma susceptibility 9; LONG TELOMERE SYNDROME, POT1-RELATED; POT1 Tumor Predisposition; Melanoma, cutaneous malignant, susceptibility to, 10. Identifiers: Orphanet 618, MedGen C4014476, MONDO:0014368, OMIM 615848.

Submission:

Labcorp Genetics (formerly Invitae), Labcorp
Classification: Uncertain significance for Tumor predisposition syndrome 3. Last evaluated: 2019-04-08. Review status: criteria provided, single submitter. Criteria: Invitae Variant Classification Sherloc (09022015). Collection method: clinical testing. Allele origin: germline.
Comment: In summary, the available evidence is currently insufficient to determine the role of this variant in disease. Therefore, it has been classified as a Variant of Uncertain Significance. Algorithms developed to predict the effect of missense changes on protein structure and function are either unavailable or do not agree on the potential impact of this missense change (SIFT: "Deleterious"; PolyPhen-2: "Possibly Damaging"; Align-GVGD: "Class C0"). This variant has not been reported in the literature in individuals with POT1-related conditions. This variant is not present in population databases (ExAC no frequency). This sequence change replaces glutamine with glutamic acid at codon 87 of the POT1 protein (p.Gln87Glu). The glutamine residue is highly conserved and there is a small physicochemical difference between glutamine and glutamic acid.

NM_015450.3(POT1):c.259C>G (p.Gln87Glu)

Gene: POT1 (protection of telomeres 1; minus strand). Cytogenetic location: 7q31.33.
Variant type: single nucleotide variant.
Coding change: c.259C>G on transcript NM_015450.3 (MANE Select); coding-DNA position 259, C replaced by G.
Protein change: p.Gln87Glu; replaces glutamine 87 with glutamic acid.
Molecular consequence: missense variant. On other transcripts: 5 prime UTR variant (1), non-coding transcript variant (3).
Genome position (GRCh38, 1-based): chr7:124,863,637, G>C on the plus strand (C>G on the coding strand, the complement: POT1 is on the minus strand). VCF-style: chr7-124863637-G-C. GRCh37 (hg19) VCF-style: chr7-124503691-G-C.
Other names: c.-135C>G (NM_001042594.2); short protein forms Q87E.
Identifiers: ClinVar variation 841618 (VCV000841618.10), dbSNP rs1378521195, ClinGen allele CA369060626.
Genomic context (GRCh38, chr7:124,863,637, plus strand): 5'-CAAACGTCAAAGATGCAAAGCCAGAGCTGGTGATACCCTGAGTCTCCTTTTTATATACTT[G>C]AATCTAAGAAAGTAGGGCAAAGTAGAAAACAGATACAAATAAAATAGCTTACTGATGCAC-3'
Protein context (NP_056265.2, residues 77-97): DIVRFHRLKI[Gln87Glu]VYKKETQGIT